The following is an entry in ClinVar:

ClinVar aggregate classification (germline): Benign. Review status: criteria provided, multiple submitters, no conflicts (2 of 4 stars). 2 submissions from 2 submitters: Benign (2). Last evaluated 2018-06-16.

Allele frequency attached by ClinVar (database versions not stated): 1000 Genomes Project 0.26498; 1000 Genomes Project 30x 0.26749; TOPMed 0.28734; gnomAD 0.28843.
gnomAD v4.1: 326,770 of 1,324,388 alleles (25%); highest among the groups gnomAD compares: African/African-American, 45%; 43,067 homozygotes.

Submissions (2):

GeneDx
Classification: Benign. Last evaluated: 2018-06-16. Review status: criteria provided, single submitter. Criteria: GeneDx Variant Classification (06012015). Collection method: clinical testing. Allele origin: germline. Affected: yes.
Comment: This variant is considered likely benign or benign based on one or more of the following criteria: it is a conservative change, it occurs at a poorly conserved position in the protein, it is predicted to be benign by multiple in silico algorithms, and/or has population frequency not consistent with disease.

Breakthrough Genomics
Classification: Benign. Review status: criteria provided, single submitter. Criteria: ACMG Guidelines, 2015. Collection method: not provided. Allele origin: germline. Inheritance: Autosomal recessive inheritance. Affected: yes.

NM_003331.5(TYK2):c.3200+122G>C

Gene: TYK2 (tyrosine kinase 2; minus strand). Cytogenetic location: 19p13.2.
Variant type: single nucleotide variant.
Coding change: c.3200+122G>C on transcript NM_003331.5 (MANE Select); 122 bases into the intron after coding-DNA position 3200, G replaced by C.
Molecular consequence: intron variant.
Genome position (GRCh38, 1-based): chr19:10,352,804, C>G on the plus strand (G>C on the coding strand, the complement: TYK2 is on the minus strand). VCF-style: chr19-10352804-C-G. GRCh37 (hg19) VCF-style: chr19-10463480-C-G.
Identifiers: ClinVar variation 673301 (VCV000673301.2), dbSNP rs280496, ClinGen allele CA14683267.
Genomic context (GRCh38, chr19:10,352,804, plus strand): 5'-CACCAGGCCAAGCCGCACTCTATACACCGCCCCTTGCCTCCATAGGCCCCACCCCCGCAC[C>G]GCTAGGCCCCGCCGCGCTTCACTGGGATCATGCCCTATCATGATACCCAGCATCCGTCTA-3'